The following is an entry in ClinVar:

ClinVar aggregate classification (germline): Likely pathogenic (1 of 4 stars; one submission).

Submission:

Labcorp Genetics (formerly Invitae), Labcorp
Classification: Likely pathogenic. Last evaluated: 2025-08-26. Review status: criteria provided, single submitter. Criteria: Invitae Variant Classification Sherloc (09022015). Collection method: clinical testing. Allele origin: germline.
Comment: This sequence change replaces asparagine, which is neutral and polar, with lysine, which is basic and polar, at codon 415 of the COMP protein (p.Asn415Lys). This variant is not present in population databases (gnomAD no frequency). This missense change has been observed in individuals with clinical features of epiphyseal dysplasia (PMID: 17133256, 21922596; internal data). Invitae Evidence Modeling of protein sequence and biophysical properties (such as structural, functional, and spatial information, amino acid conservation, physicochemical variation, residue mobility, and thermodynamic stability) indicates that this missense variant is expected to disrupt COMP protein function with a positive predictive value of 80%. In summary, the currently available evidence indicates that the variant is pathogenic, but additional data are needed to prove that conclusively. Therefore, this variant has been classified as Likely Pathogenic.

Literature cited by the submitters: PubMed 17133256; PubMed 21922596.

NM_000095.3(COMP):c.1245C>G (p.Asn415Lys)

Gene: COMP (cartilage oligomeric matrix protein; minus strand). Cytogenetic location: 19p13.11.
Variant type: single nucleotide variant.
Coding change: c.1245C>G on transcript NM_000095.3 (MANE Select); coding-DNA position 1245, C replaced by G.
Protein change: p.Asn415Lys; replaces asparagine 415 with lysine.
Molecular consequence: missense variant.
Genome position (GRCh38, 1-based): chr19:18,786,541, G>C on the plus strand (C>G on the coding strand, the complement: COMP is on the minus strand). VCF-style: chr19-18786541-G-C. GRCh37 (hg19) VCF-style: chr19-18897351-G-C.
Other names: short protein forms N415K.
Identifiers: ClinVar variation 4710526 (VCV004710526.1).